The following is an entry in ClinVar:

ClinVar aggregate classification (germline): Uncertain significance (1 of 4 stars; one submission).

Submission:

Labcorp Genetics (formerly Invitae), Labcorp
Classification: Uncertain significance. Last evaluated: 2025-02-06. Review status: criteria provided, single submitter. Criteria: Invitae Variant Classification Sherloc (09022015). Collection method: clinical testing. Allele origin: germline.
Comment: This sequence change affects codon 163 of the GPR45 mRNA. It is a 'silent' change, meaning that it does not change the encoded amino acid sequence of the GPR45 protein. This variant is not present in population databases (gnomAD no frequency). This variant has not been reported in the literature in individuals affected with GPR45-related conditions. In summary, the available evidence is currently insufficient to determine the role of this variant in disease. Therefore, it has been classified as a Variant of Uncertain Significance.

NM_007227.3(GPR45):c.489G>C (p.Ala163=)

Gene: GPR45 (G protein-coupled receptor 45; plus strand). Cytogenetic location: 2q12.1.
Variant type: single nucleotide variant.
Coding change: c.489G>C on transcript NM_007227.3 (MANE Select); coding-DNA position 489, G replaced by C.
Protein change: p.Ala163=; no amino-acid change (alanine 163 retained).
Molecular consequence: synonymous variant.
Genome position (GRCh38, 1-based): chr2:105,242,347, G>C. VCF-style: chr2-105242347-G-C. GRCh37 (hg19) VCF-style: chr2-105858804-G-C.
Identifiers: ClinVar variation 4695627 (VCV004695627.1).